The following is an entry in ClinVar:

NM_000156.6(GAMT):c.476T>C (p.Leu159Pro)

Gene: GAMT (guanidinoacetate N-methyltransferase; minus strand). Cytogenetic location: 19p13.3.
Variant type: single nucleotide variant.
Coding change: c.476T>C on transcript NM_000156.6 (MANE Select); coding-DNA position 476, T replaced by C.
Protein change: p.Leu159Pro; replaces leucine 159 with proline.
Molecular consequence: missense variant.
Genome position (GRCh38, 1-based): chr19:1,399,010, A>G on the plus strand (T>C on the coding strand, the complement: GAMT is on the minus strand). VCF-style: chr19-1399010-A-G. GRCh37 (hg19) VCF-style: chr19-1399009-A-G.
Other names: NM_000156.6(GAMT):c.476T>C; p.Leu159Pro; c.476T>C, p.Leu159Pro (NM_138924.3); short protein forms L159P.
Identifiers: ClinVar variation 1335317 (VCV001335317.37), dbSNP rs2144636453, ClinGen allele CA402994686.

ClinVar aggregate classification (germline): Likely pathogenic. Review status: reviewed by expert panel (3 of 4 stars). 2 submissions from 2 submitters: Likely pathogenic (1). 1 of the submissions does not count toward it. Last evaluated 2026-04-21.

Conditions:
Deficiency of guanidinoacetate methyltransferase (CCDS2). Also called: CEREBRAL CREATINE DEFICIENCY SYNDROME 2; Guanidinoacetate Methyltransferase (GAMT) Deficiency; GAMT DEFICIENCY. Identifiers: Orphanet 382, MedGen C0574080, MONDO:0012999, OMIM 612736.

Submissions (2):

ClinGen Cerebral Creatine Deficiency Syndromes Variant Curation Expert Panel, ClinGen
Classification: Likely pathogenic for Deficiency of guanidinoacetate methyltransferase. Last evaluated: 2026-04-21. Review status: reviewed by expert panel. Criteria: ClinGen CCDS ACMG Specifications GAMT V2.0.0. Collection method: curation. Allele origin: germline. Inheritance: Autosomal recessive inheritance.
Comment: The NM_000156.6:c.476T>C variant in GAMT is predicted to result in the substitution of leucine by proline at amino acid 159 (p.Leu159Pro). This variant has been identified in one homozygous individual with an absent creatine peak on brain MRS and elevated urine guanidinoacetate (value not provided) (PM3_Supporting, PP4_Moderate) (PMID: 24415674). This variant is absent in gnomAD v4.1.0. (PM2_Supporting). The computational predictor REVEL gives a score of 0.947 which is above the threshold of 0.932, evidence that correlates with impact to GAMT function at the strong level (PMID: 36413997) (PP3_Strong). This variant was shown to result in undetectable GAMT enzyme activity in GAMT-deficient fibroblasts (PMID: 24415674) (PS3_Supporting). In summary, this variant meets criteria to be classified as likely pathogenic for guanidinoacetate methyltransferase (GAMT) deficiency. GAMT-specific ACMG/AMP Criteria applied, as specified by the ClinGen Cerebral Creatine Deficiencies Variant Curation Expert Panel (CCDS VCEP) (Specifications version 2.0.0): PP3_Strong, PP4_Moderate, PS3_Supporting, PM2_Supporting, PM3_Supporting (Classification approved by the ClinGen CCDS VCEP on April 21, 2026)

CeGaT Center for Human Genetics Tuebingen
Classification: Pathogenic. Last evaluated: 2021-11-01. Review status: criteria provided, single submitter. Criteria: CeGaT Center For Human Genetics Tuebingen Variant Classification Criteria Version 2. Collection method: clinical testing. Allele origin: germline. Affected: yes. Observed: 1 variant allele. Not counted in ClinVar's aggregate classification.

Literature cited by the submitters: PubMed 24415674 (cited by ClinGen Cerebral Creatine Deficiency Syndromes Variant Curation Expert Panel, ClinGen).